The following is an entry in ClinVar:

ClinVar aggregate classification (germline): Uncertain significance (1 of 4 stars; one submission).

Conditions:
Episodic ataxia type 2 (EA2). Also called: ATAXIA, EPISODIC, WITH NYSTAGMUS; ATAXIA, FAMILIAL PAROXYSMAL; CEREBELLAR ATAXIA, PAROXYSMAL, ACETAZOLAMIDE-RESPONSIVE; CEREBELLOPATHY, HEREDITARY PAROXYSMAL; EPISODIC ATAXIA, NYSTAGMUS-ASSOCIATED; ACETAZOLAMIDE-RESPONSIVE HEREDITARY PAROXYSMAL CEREBELLAR ATAXIA. Identifiers: Orphanet 97, MedGen C1720416, MONDO:0007163, OMIM 108500.
Developmental and epileptic encephalopathy, 42 (DEE42A). Also called: DEVELOPMENTAL AND EPILEPTIC ENCEPHALOPATHY 42A; EPILEPTIC ENCEPHALOPATHY, EARLY INFANTILE, 42A; Epileptic encephalopathy, early infantile, 42. Identifiers: MedGen C4310716, MONDO:0014917, OMIM 617106.

Allele frequency attached by ClinVar (database versions not stated): gnomAD exomes below 0.00001; TOPMed 0.00001.
gnomAD v4.1: 1 of 1,542,702 alleles (0.000065%); highest among the groups gnomAD compares: Non-Finnish European, 0.000088%; no homozygotes.

Submission:

Labcorp Genetics (formerly Invitae), Labcorp
Classification: Uncertain significance for Developmental and epileptic encephalopathy, 42; Episodic ataxia type 2. Last evaluated: 2025-09-03. Review status: criteria provided, single submitter. Criteria: Invitae Variant Classification Sherloc (09022015). Collection method: clinical testing. Allele origin: germline.
Comment: This sequence change replaces alanine, which is neutral and non-polar, with threonine, which is neutral and polar, at codon 1018 of the CACNA1A protein (p.Ala1018Thr). This variant is not present in population databases (gnomAD no frequency). This variant has not been reported in the literature in individuals affected with CACNA1A-related conditions. ClinVar contains an entry for this variant (Variation ID: 1900571). Invitae Evidence Modeling of protein sequence and biophysical properties (such as structural, functional, and spatial information, amino acid conservation, physicochemical variation, residue mobility, and thermodynamic stability) indicates that this missense variant is not expected to disrupt CACNA1A protein function with a negative predictive value of 95%. In summary, the available evidence is currently insufficient to determine the role of this variant in disease. Therefore, it has been classified as a Variant of Uncertain Significance.

NM_001127222.2(CACNA1A):c.3049G>A (p.Ala1017Thr)

Gene: CACNA1A (calcium voltage-gated channel subunit alpha1 A; minus strand). Cytogenetic location: 19p13.13.
Variant type: single nucleotide variant.
Coding change: c.3049G>A on transcript NM_001127222.2 (MANE Select); coding-DNA position 3049, G replaced by A.
Protein change: p.Ala1017Thr; replaces alanine 1017 with threonine.
Molecular consequence: missense variant.
Genome position (GRCh38, 1-based): chr19:13,298,584, C>T on the plus strand (G>A on the coding strand, the complement: CACNA1A is on the minus strand). VCF-style: chr19-13298584-C-T. GRCh37 (hg19) VCF-style: chr19-13409398-C-T.
Other names: c.3061G>A, p.Ala1021Thr (NM_000068.4, NM_023035.3); c.3052G>A, p.Ala1018Thr (NM_001127221.2, NM_001174080.2); short protein forms A1018T, A1017T, A1021T.
Identifiers: ClinVar variation 1900571 (VCV001900571.5), dbSNP rs1131691393, ClinGen allele CA404342180.